The following is an entry in ClinVar:

ClinVar aggregate classification (germline): Uncertain significance (1 of 4 stars; one submission).

Conditions:
Microcephaly, normal intelligence and immunodeficiency (NBS). Also called: BERLIN BREAKAGE SYNDROME; Immunodeficiency, microcephaly with normal intelligence; Ataxia telangiectasia variant V1; Nijmegen breakage syndrome; Microcephaly with normal intelligence immunodeficiency and lymphoreticular malignancies; Nonsyndromal microcephaly autosomal recessive with normal intelligence. Identifiers: Orphanet 647, MedGen C0398791, MONDO:0009623, OMIM 251260.

Submission:

Labcorp Genetics (formerly Invitae), Labcorp
Classification: Uncertain significance for Microcephaly, normal intelligence and immunodeficiency. Last evaluated: 2018-05-22. Review status: criteria provided, single submitter. Criteria: Invitae Variant Classification Sherloc (09022015). Collection method: clinical testing. Allele origin: germline.
Comment: This sequence change falls in intron 13 of the NBN gene. It does not directly change the encoded amino acid sequence of the NBN protein, but it affects a nucleotide within the consensus splice site of the intron. This variant is not present in population databases (ExAC no frequency). This variant has not been reported in the literature in individuals with NBN-related disease. Nucleotide substitutions within the consensus splice site are a relatively common cause of aberrant splicing (PMID: 17576681, 9536098). Algorithms developed to predict the effect of sequence changes on RNA splicing suggest that this variant may disrupt the consensus splice site, but this prediction has not been confirmed by published transcriptional studies. In summary, the available evidence is currently insufficient to determine the role of this variant in disease. Therefore, it has been classified as a Variant of Uncertain Significance.

Literature cited by the submitters: PubMed 17576681; PubMed 9536098.

NM_002485.5(NBN):c.2070+5G>T

Gene: NBN (nibrin; minus strand). Cytogenetic location: 8q21.3.
Variant type: single nucleotide variant.
Coding change: c.2070+5G>T on transcript NM_002485.5 (MANE Select); 5 bases into the intron after coding-DNA position 2070, G replaced by T.
Molecular consequence: intron variant.
Genome position (GRCh38, 1-based): chr8:89,946,135, C>A on the plus strand (G>T on the coding strand, the complement: NBN is on the minus strand). VCF-style: chr8-89946135-C-A. GRCh37 (hg19) VCF-style: chr8-90958363-C-A.
Other names: c.1824+5G>T (NM_001024688.3).
Identifiers: ClinVar variation 569126 (VCV000569126.6), dbSNP rs1323512485, ClinGen allele CA891842836.